The following is an entry in ClinVar:

NM_024422.6(DSC2):c.2391C>T (p.Cys797=)

Gene: DSC2 (desmocollin 2; minus strand). Cytogenetic location: 18q12.1.
Variant type: single nucleotide variant.
Coding change: c.2391C>T on transcript NM_024422.6 (MANE Select); coding-DNA position 2391, C replaced by T.
Protein change: p.Cys797=; no amino-acid change (cysteine 797 retained).
Molecular consequence: synonymous variant.
Genome position (GRCh38, 1-based): chr18:31,069,011, G>A on the plus strand (C>T on the coding strand, the complement: DSC2 is on the minus strand). VCF-style: chr18-31069011-G-A. GRCh37 (hg19) VCF-style: chr18-28648977-G-A.
Other names: c.2391C>T, p.Cys797= (NM_004949.5).
Identifiers: ClinVar variation 928096 (VCV000928096.15), dbSNP rs544366164, ClinGen allele CA036519.

ClinVar aggregate classification (germline): Likely benign. Review status: criteria provided, multiple submitters, no conflicts (2 of 4 stars). 5 submissions from 5 submitters: Likely benign (5). Last evaluated 2025-05-30.

Conditions:
Familial isolated arrhythmogenic right ventricular dysplasia. Identifiers: Orphanet 217656, MedGen C4274968, MONDO:0016342.
Arrhythmogenic right ventricular dysplasia 11. Also called: Arrhythmogenic Right Ventricular Dysplasia/Cardiomyopathy11; Arrhythmogenic right ventricular dysplasia 11 with mild palmoplantar keratoderma and woolly hair; ARRHYTHMOGENIC RIGHT VENTRICULAR DYSPLASIA, FAMILIAL, 11. Identifiers: MedGen C1864850, MONDO:0012506, OMIM 610476.
Cardiomyopathy (CMYO). Also called: Cardiomyopathies. Identifiers: Orphanet 167848, MedGen C0878544, MONDO:0004994, HP:0001638. Inheritance: Various modes of inheritance.
Cardiovascular phenotype. Identifiers: MedGen CN230736.

Allele frequency attached by ClinVar (database versions not stated): gnomAD 0.00001; ExAC 0.00002; TOPMed 0.00002; gnomAD exomes 0.00003; 1000 Genomes Project 30x 0.00016; 1000 Genomes Project 0.00020.

Submissions (5):

Labcorp Genetics (formerly Invitae), Labcorp
Classification: Likely benign for Arrhythmogenic right ventricular dysplasia 11. Last evaluated: 2025-05-30. Review status: criteria provided, single submitter. Criteria: Invitae Variant Classification Sherloc (09022015). Collection method: clinical testing. Allele origin: germline.

Blueprint Genetics
Classification: Likely benign. Last evaluated: 2024-09-18. Review status: criteria provided, single submitter. Criteria: ACMG Guidelines, 2015. Collection method: clinical testing. Allele origin: germline.

All of Us Research Program, National Institutes of Health
Classification: Likely benign for Familial isolated arrhythmogenic right ventricular dysplasia. Last evaluated: 2023-09-17. Review status: criteria provided, single submitter. Criteria: ACMG Guidelines, 2015. Collection method: clinical testing. Allele origin: germline. Inheritance: Autosomal dominant inheritance. Observed: 5 variant alleles, 5 heterozygotes.
Comment: This study involves interpretation of variants in research participants for the purpose of population health screening. Participant phenotype was not available at the time of variant classification. Additional details can be found in publication PMID: 35346344, PMCID: PMC8962531

Ambry Genetics
Classification: Likely benign for Cardiovascular phenotype. Last evaluated: 2020-06-14. Review status: criteria provided, single submitter. Criteria: Ambry Variant Classification Scheme 2023. Collection method: clinical testing. Allele origin: germline.

Color Diagnostics, LLC DBA Color Health
Classification: Likely benign for Cardiomyopathy. Last evaluated: 2019-11-24. Review status: criteria provided, single submitter. Criteria: ACMG Guidelines, 2015. Collection method: clinical testing. Allele origin: germline.